The following is an entry in ClinVar:

NM_001375524.1(TRRAP):c.6828C>T (p.Phe2276=)

Gene: TRRAP (transformation/transcription domain associated protein; plus strand). Cytogenetic location: 7q22.1.
Variant type: single nucleotide variant.
Coding change: c.6828C>T on transcript NM_001375524.1 (MANE Select); coding-DNA position 6828, C replaced by T.
Protein change: p.Phe2276=; no amino-acid change (phenylalanine 2276 retained).
Molecular consequence: synonymous variant.
Genome position (GRCh38, 1-based): chr7:98,962,426, C>T. VCF-style: chr7-98962426-C-T. GRCh37 (hg19) VCF-style: chr7-98560049-C-T.
Other names: c.6807C>T, p.Phe2269= (NM_001244580.2); c.6753C>T, p.Phe2251= (NM_003496.4).
Identifiers: ClinVar variation 1928924 (VCV001928924.5), dbSNP rs200266535, ClinGen allele CA4360969.

ClinVar aggregate classification (germline): Uncertain significance (1 of 4 stars; one submission).

Allele frequency attached by ClinVar (database versions not stated): ExAC 0.00002; ESP Exome Variant Server 0.00008.
gnomAD v4.1: 7 of 1,614,104 alleles (0.00043%); highest among the groups gnomAD compares: South Asian, 0.0033%; no homozygotes.

Submission:

Labcorp Genetics (formerly Invitae), Labcorp
Classification: Uncertain significance. Last evaluated: 2024-04-10. Review status: criteria provided, single submitter. Criteria: Invitae Variant Classification Sherloc (09022015). Collection method: clinical testing. Allele origin: germline.
Comment: This sequence change affects codon 2251 of the TRRAP mRNA. It is a 'silent' change, meaning that it does not change the encoded amino acid sequence of the TRRAP protein. It affects a nucleotide within the consensus splice site. This variant is present in population databases (rs200266535, gnomAD 0.007%). This variant has not been reported in the literature in individuals affected with TRRAP-related conditions. ClinVar contains an entry for this variant (Variation ID: 1928924). Algorithms developed to predict the effect of sequence changes on RNA splicing suggest that this variant is not likely to affect RNA splicing. In summary, the available evidence is currently insufficient to determine the role of this variant in disease. Therefore, it has been classified as a Variant of Uncertain Significance.